The following is an entry in ClinVar:

NM_002180.3(IGHMBP2):c.763_767del (p.Leu255fs)

Gene: IGHMBP2 (immunoglobulin mu DNA binding protein 2; plus strand). Cytogenetic location: 11q13.3.
Variant type: Deletion.
Coding change: c.763_767del on transcript NM_002180.3 (MANE Select); coding-DNA positions 763 to 767, 5 bases deleted (CTGGC; older notation c.763_767delCTGGC).
Protein change: p.Leu255fs; shifts the reading frame from leucine 255.
Molecular consequence: frameshift variant.
Genome position (GRCh38, 1-based): chr11:68,914,874-68,914,878, CTGGC deleted; deleting any 5 consecutive bases within chr11:68,914,872-68,914,878 gives the same sequence; the c. name uses the placement nearest the transcript's 3' end. VCF-style (leftmost placement, unchanged base first): chr11-68914871-CGCCTG-C. GRCh37 (hg19) VCF-style: chr11-68682339-CGCCTG-C.
Other names: short protein forms L255fs.
Identifiers: ClinVar variation 1070991 (VCV001070991.7), dbSNP rs2154007211, ClinGen allele CA2499221275.

ClinVar aggregate classification (germline): Pathogenic (1 of 4 stars; one submission).

Conditions:
Charcot-Marie-Tooth disease axonal type 2S. Also called: CHARCOT-MARIE-TOOTH DISEASE, AXONAL, AUTOSOMAL RECESSIVE, TYPE 2S; CHARCOT-MARIE-TOOTH NEUROPATHY, TYPE 2S. Identifiers: Orphanet 443073, MedGen C4015349, MONDO:0014511, OMIM 616155.
Autosomal recessive distal spinal muscular atrophy 1. Also called: NEURONOPATHY, DISTAL HEREDITARY MOTOR, HARDING TYPE VI; NEUROPATHY, DISTAL HEREDITARY MOTOR, AUTOSOMAL RECESSIVE 1; SEVERE INFANTILE AXONAL NEUROPATHY WITH RESPIRATORY FAILURE; SPINAL MUSCULAR ATROPHY, DIAPHRAGMATIC; Spinal muscular atrophy with respiratory distress 1; NEURONOPATHY, SEVERE INFANTILE AXONAL, WITH RESPIRATORY FAILURE. Identifiers: Orphanet 98920, MedGen C1858517, MONDO:0011436, OMIM 604320.

Submission:

Labcorp Genetics (formerly Invitae), Labcorp
Classification: Pathogenic for Autosomal recessive distal spinal muscular atrophy 1; Charcot-Marie-Tooth disease axonal type 2S. Last evaluated: 2020-10-04. Review status: criteria provided, single submitter. Criteria: Invitae Variant Classification Sherloc (09022015). Collection method: clinical testing. Allele origin: germline.
Comment: Loss-of-function variants in IGHMBP2 are known to be pathogenic (PMID: 14681881). This variant has not been reported in the literature in individuals with IGHMBP2-related conditions. This variant is not present in population databases (ExAC no frequency). This sequence change creates a premature translational stop signal (p.Leu255Serfs*3) in the IGHMBP2 gene. It is expected to result in an absent or disrupted protein product. For these reasons, this variant has been classified as Pathogenic.

Literature cited by the submitters: PubMed 14681881.